The following is an entry in ClinVar:

NM_000051.4(ATM):c.7218A>G (p.Lys2406=)

Genes: ATM (ATM serine/threonine kinase; plus strand), C11orf65 (chromosome 11 open reading frame 65; minus strand). Cytogenetic location: 11q22.3.
Variant type: single nucleotide variant.
Coding change: c.7218A>G on transcript NM_000051.4 (MANE Select); coding-DNA position 7218, A replaced by G.
Protein change: p.Lys2406=; no amino-acid change (lysine 2406 retained).
Molecular consequence: synonymous variant. On other transcripts: intron variant (2).
Genome position (GRCh38, 1-based): chr11:108,329,149, A>G. VCF-style: chr11-108329149-A-G. GRCh37 (hg19) VCF-style: chr11-108199876-A-G.
Other names: c.7218A>G, p.Lys2406= (NM_001351834.2); c.641-20078T>C (NM_001330368.2); c.*38+6071T>C (NM_001351110.2).
Identifiers: ClinVar variation 630804 (VCV000630804.12), dbSNP rs1321705346, ClinGen allele CA476676728.

ClinVar aggregate classification (germline): Benign/Likely benign. Review status: criteria provided, multiple submitters, no conflicts (2 of 4 stars). 4 submissions from 4 submitters: Benign (1); Likely benign (3). Last evaluated 2024-09-23.

Conditions:
Familial cancer of breast. Also called: Hereditary breast cancer; BREAST CANCER, FAMILIAL; hereditary breast carcinoma. Identifiers: Orphanet 227535, MedGen C0346153, MONDO:0016419, OMIM 114480. Disease mechanism: loss of function.
Ataxia-telangiectasia syndrome (AT). Also called: Ataxia-telangiectasia, complementation group D; AT, COMPLEMENTATION GROUP C; ATAXIA-TELANGIECTASIA, COMPLEMENTATION GROUP A; ATAXIA-TELANGIECTASIA, FRESNO VARIANT; Ataxia-telangiectasia; LOUIS-BAR SYNDROME. Identifiers: Orphanet 100, MedGen C0004135, MONDO:0008840, OMIM 208900.
Hereditary cancer-predisposing syndrome. Also called: Tumor predisposition; Hereditary neoplastic syndrome; Neoplastic Syndromes, Hereditary; Hereditary Cancer Syndrome. Identifiers: Orphanet 140162, MedGen C0027672, MeSH D009386, MONDO:0015356.

Allele frequency attached by ClinVar (database versions not stated): gnomAD exomes below 0.00001.

Submissions (4):

Labcorp Genetics (formerly Invitae), Labcorp
Classification: Likely benign for Ataxia-telangiectasia syndrome. Last evaluated: 2024-09-23. Review status: criteria provided, single submitter. Criteria: Invitae Variant Classification Sherloc (09022015). Collection method: clinical testing. Allele origin: germline.

Ambry Genetics
Classification: Likely benign for Hereditary cancer-predisposing syndrome. Last evaluated: 2024-07-17. Review status: criteria provided, single submitter. Criteria: Ambry Variant Classification Scheme 2023. Collection method: clinical testing. Allele origin: germline.

Myriad Genetics, Inc.
Classification: Benign for Familial cancer of breast. Last evaluated: 2024-06-13. Review status: criteria provided, single submitter. Criteria: Myriad Autosomal Dominant, Autosomal Recessive and X-Linked Classification Criteria (2023). Collection method: clinical testing. Allele origin: unknown.
Comment: This variant is considered benign. This variant is a silent/synonymous amino acid change and it is not expected to impact splicing.

Color Diagnostics, LLC DBA Color Health
Classification: Likely benign for Hereditary cancer-predisposing syndrome. Last evaluated: 2017-11-15. Review status: criteria provided, single submitter. Criteria: ACMG Guidelines, 2015. Collection method: clinical testing. Allele origin: germline.